The following is an entry in ClinVar:

NM_014989.7(RIMS1):c.320G>T (p.Gly107Val)

Gene: RIMS1 (regulating synaptic membrane exocytosis 1; plus strand). Cytogenetic location: 6q13.
Variant type: single nucleotide variant.
Coding change: c.320G>T on transcript NM_014989.7 (MANE Select); coding-DNA position 320, G replaced by T.
Protein change: p.Gly107Val; replaces glycine 107 with valine.
Molecular consequence: missense variant.
Genome position (GRCh38, 1-based): chr6:72,097,023, G>T. VCF-style: chr6-72097023-G-T. GRCh37 (hg19) VCF-style: chr6-72806726-G-T.
Other names: c.317G>T, p.Gly106Val (NM_001350411.1); c.239G>T, p.Gly80Val (NM_001350412.1); c.320G>T, p.Gly107Val (NM_001350413.1); short protein forms G106V, G80V, G107V.
Identifiers: ClinVar variation 2821400 (VCV002821400.3), dbSNP rs1308121962, ClinGen allele CA364822527.

ClinVar aggregate classification (germline): Uncertain significance (1 of 4 stars; one submission).

Submission:

Labcorp Genetics (formerly Invitae), Labcorp
Classification: Uncertain significance. Last evaluated: 2022-12-16. Review status: criteria provided, single submitter. Criteria: Invitae Variant Classification Sherloc (09022015). Collection method: clinical testing. Allele origin: germline.
Comment: This sequence change replaces glycine, which is neutral and non-polar, with valine, which is neutral and non-polar, at codon 107 of the RIMS1 protein (p.Gly107Val). This variant is not present in population databases (gnomAD no frequency). This variant has not been reported in the literature in individuals affected with RIMS1-related conditions. Algorithms developed to predict the effect of missense changes on protein structure and function are either unavailable or do not agree on the potential impact of this missense change (SIFT: "Deleterious"; PolyPhen-2: "Possibly Damaging"; Align-GVGD: "Class C0"). In summary, the available evidence is currently insufficient to determine the role of this variant in disease. Therefore, it has been classified as a Variant of Uncertain Significance.